The following is an entry in ClinVar:

ClinVar aggregate classification (germline): Benign. Review status: reviewed by expert panel (3 of 4 stars). 3 submissions from 3 submitters: Benign (1). 2 of the submissions do not count toward it. Last evaluated 2015-01-12.

Conditions:
Breast-ovarian cancer, familial, susceptibility to, 2 (BROVCA2). Also called: BRCA2 Hereditary Breast and Ovarian Cancer. Identifiers: Orphanet 145, MedGen C2675520, MONDO:0012933, OMIM 612555. Disease mechanism: loss of function.

Allele frequency attached by ClinVar (database versions not stated): gnomAD 0.19956 and 0.20320; TOPMed 0.20379; 1000 Genomes Project 30x 0.20721; 1000 Genomes Project 0.21286.
gnomAD v4.1: 30,845 of 152,062 alleles (20%); highest among the groups gnomAD compares: East Asian, 39%; 3,269 homozygotes.

Submissions (3):

Evidence-based Network for the Interpretation of Germline Mutant Alleles (ENIGMA)
Classification: Benign for Breast-ovarian cancer, familial 2. Last evaluated: 2015-01-12. Review status: reviewed by expert panel. Criteria: ENIGMA BRCA1/2 Classification Criteria (2015). Collection method: curation. Allele origin: germline.
Comment: Class 1 not pathogenic based on frequency >1% in an outbred sampleset. Frequency 0.3811 (Asian), 0.09756 (African), 0.2177 (European), derived from 1000 genomes (2012-04-30).

GeneDx
Classification: Benign. Last evaluated: 2018-06-23. Review status: criteria provided, single submitter. Criteria: GeneDx Variant Classification Process June 2021. Collection method: clinical testing. Allele origin: germline. Affected: yes. Not counted in ClinVar's aggregate classification.

Breakthrough Genomics
Classification: Benign. Review status: criteria provided, single submitter. Criteria: ACMG Guidelines, 2015. Collection method: not provided. Allele origin: germline. Inheritance: Autosomal recessive inheritance. Affected: yes. Not counted in ClinVar's aggregate classification.

NM_000059.4(BRCA2):c.8754+183A>C

Gene: BRCA2 (BRCA2 DNA repair associated; plus strand). Cytogenetic location: 13q13.1.
Variant type: single nucleotide variant.
Coding change: c.8754+183A>C on transcript NM_000059.4 (MANE Select); 183 bases into the intron after coding-DNA position 8754, A replaced by C.
Molecular consequence: intron variant.
Genome position (GRCh38, 1-based): chr13:32,376,974, A>C. VCF-style: chr13-32376974-A-C. GRCh37 (hg19) VCF-style: chr13-32951111-A-C.
Other names: IVS 21+183A>C.
Identifiers: ClinVar variation 209836 (VCV000209836.4), dbSNP rs3764791, ClinGen allele CA276804.
Genomic context (GRCh38, chr13:32,376,974, plus strand): 5'-GTACATTTCTGGGATTTTCAGTGATGTGCCAGACGAGTGTGGTGGTATGTTTTCAACTAT[A>C]TACCGAGTAGAGGATGGGAGGGTTCTAGAATTTTATATATTAATTAAATTTGGTTTAAAA-3'